The following is an entry in ClinVar:

ClinVar aggregate classification (germline): Conflicting classifications of pathogenicity. Review status: criteria provided, conflicting classifications (1 of 4 stars). 2 submissions from 2 submitters: Likely pathogenic (1); Uncertain significance (1). Last evaluated 2022-10-19.

Allele frequency attached by ClinVar (database versions not stated): gnomAD 0.00001.
gnomAD v4.1: 1 of 1,613,804 alleles (0.000062%); no homozygotes.

Submissions (2):

Labcorp Genetics (formerly Invitae), Labcorp
Classification: Uncertain significance. Last evaluated: 2022-10-19. Review status: criteria provided, single submitter. Criteria: Invitae Variant Classification Sherloc (09022015). Collection method: clinical testing. Allele origin: germline.
Comment: In summary, the available evidence is currently insufficient to determine the role of this variant in disease. Therefore, it has been classified as a Variant of Uncertain Significance. Algorithms developed to predict the effect of missense changes on protein structure and function (SIFT, PolyPhen-2, Align-GVGD) all suggest that this variant is likely to be disruptive. ClinVar contains an entry for this variant (Variation ID: 432032). This variant has not been reported in the literature in individuals affected with ACAN-related conditions. This variant is not present in population databases (gnomAD no frequency). This sequence change replaces tyrosine, which is neutral and polar, with histidine, which is basic and polar, at codon 2332 of the ACAN protein (p.Tyr2332His).

GeneDx
Classification: Likely pathogenic. Last evaluated: 2015-12-29. Review status: criteria provided, single submitter. Criteria: GeneDx Variant Classification (06012015). Collection method: clinical testing. Allele origin: germline. Affected: yes.
Comment: The Y2332H variant in the ACAN gene has not been reported previously as a pathogenic variant, nor as a benign variant, to our knowledge. The Y2332H variant was not observed in approximately 6,300 individuals of European and African American ancestry in the NHLBI Exome Sequencing Project, indicating it is not a common benign variant in these populations. The Y2332H variant is a non-conservative amino acid substitution, which is likely to impact secondary protein structure as these residues differ in polarity, charge, size and/or other properties. This substitution occurs at a position that is conserved across species. In silico analysis predicts this variant is probably damaging to the protein structure/function. The Y2332H variant is a strong candidate for a pathogenic variant, however the possibility it may be a rare benign variant cannot be excluded.

NM_001369268.1(ACAN):c.7108T>C (p.Tyr2370His)

Gene: ACAN (aggrecan; plus strand). Cytogenetic location: 15q26.1.
Variant type: single nucleotide variant.
Coding change: c.7108T>C on transcript NM_001369268.1 (MANE Select); coding-DNA position 7108, T replaced by C.
Protein change: p.Tyr2370His; replaces tyrosine 2370 with histidine.
Molecular consequence: missense variant.
Genome position (GRCh38, 1-based): chr15:88,871,429, T>C. VCF-style: chr15-88871429-T-C. GRCh37 (hg19) VCF-style: chr15-89414660-T-C.
Other names: c.6880T>C, p.Tyr2294His (NM_001135.4); c.6994T>C, p.Tyr2332His (NM_013227.4); short protein forms Y2332H, Y2294H, Y2370H.
Identifiers: ClinVar variation 432032 (VCV000432032.8), dbSNP rs1555457492, ClinGen allele CA393729455.